The following is an entry in ClinVar:

ClinVar aggregate classification (germline): Uncertain significance. Review status: criteria provided, multiple submitters, no conflicts (2 of 4 stars). 2 submissions from 2 submitters: Uncertain significance (2). Last evaluated 2025-06-15.

Submissions (2):

Labcorp Genetics (formerly Invitae), Labcorp
Classification: Uncertain significance. Last evaluated: 2025-06-15. Review status: criteria provided, single submitter. Criteria: Invitae Variant Classification Sherloc (09022015). Collection method: clinical testing. Allele origin: germline.
Comment: This sequence change replaces arginine, which is basic and polar, with glutamine, which is neutral and polar, at codon 456 of the ENPP1 protein (p.Arg456Gln). This variant is present in population databases (rs765071179, gnomAD 0.003%). This missense change has been observed in individual(s) with idiopathic infantile arterial calcification (PMID: 12881724). Invitae Evidence Modeling of protein sequence and biophysical properties (such as structural, functional, and spatial information, amino acid conservation, physicochemical variation, residue mobility, and thermodynamic stability) indicates that this missense variant is expected to disrupt ENPP1 protein function with a positive predictive value of 80%. Experimental studies have shown that this missense change affects ENPP1 function (PMID: 12881724, 38806089). In summary, the available evidence is currently insufficient to determine the role of this variant in disease. Therefore, it has been classified as a Variant of Uncertain Significance.

GeneDx
Classification: Uncertain significance. Last evaluated: 2025-01-10. Review status: criteria provided, single submitter. Criteria: GeneDx Variant Classification Process June 2021. Collection method: clinical testing. Allele origin: germline. Affected: yes.
Comment: Not observed at significant frequency in large population cohorts (gnomAD); In silico analysis supports that this missense variant has a deleterious effect on protein structure/function; This variant is associated with the following publications: (PMID: 12881724)

Literature cited by the submitters: PubMed 12881724 (cited by Labcorp Genetics (formerly Invitae), Labcorp); PubMed 38806089 (cited by Labcorp Genetics (formerly Invitae), Labcorp).

NM_006208.3(ENPP1):c.1367G>A (p.Arg456Gln)

Gene: ENPP1 (ectonucleotide pyrophosphatase/phosphodiesterase 1; plus strand). Cytogenetic location: 6q23.2.
Variant type: single nucleotide variant.
Coding change: c.1367G>A on transcript NM_006208.3 (MANE Select); coding-DNA position 1367, G replaced by A.
Protein change: p.Arg456Gln; replaces arginine 456 with glutamine.
Molecular consequence: missense variant.
Genome position (GRCh38, 1-based): chr6:131,869,451, G>A. VCF-style: chr6-131869451-G-A. GRCh37 (hg19) VCF-style: chr6-132190591-G-A.
Other names: short protein forms R456Q.
Identifiers: ClinVar variation 4056816 (VCV004056816.2).